The following is an entry in ClinVar:

ClinVar aggregate classification (germline): Likely benign (0 of 4 stars; one submission).

Conditions:
HDLBP-related disorder. Also called: HDLBP-related condition.

Allele frequency attached by ClinVar (database versions not stated): ExAC 0.00002; gnomAD 0.00005; TOPMed 0.00005.
gnomAD v4.1: 13 of 1,614,096 alleles (0.00081%); highest among the groups gnomAD compares: Middle Eastern, 0.016%; no homozygotes.

Submission:

PreventionGenetics, part of Exact Sciences
Classification: Likely benign for HDLBP-related condition. Last evaluated: 2019-07-01. Review status: no assertion criteria provided. Collection method: clinical testing. Allele origin: germline.
Comment: This variant is classified as likely benign based on ACMG/AMP sequence variant interpretation guidelines (Richards et al. 2015 PMID: 25741868, with internal and published modifications).

NM_005336.6(HDLBP):c.570T>C (p.Asp190=)

Gene: HDLBP (high density lipoprotein binding protein; minus strand). Cytogenetic location: 2q37.3.
Variant type: single nucleotide variant.
Coding change: c.570T>C on transcript NM_005336.6 (MANE Select); coding-DNA position 570, T replaced by C.
Protein change: p.Asp190=; no amino-acid change (aspartic acid 190 retained).
Molecular consequence: synonymous variant.
Genome position (GRCh38, 1-based): chr2:241,256,687, A>G on the plus strand (T>C on the coding strand, the complement: HDLBP is on the minus strand). VCF-style: chr2-241256687-A-G. GRCh37 (hg19) VCF-style: chr2-242196102-A-G.
Other names: c.678T>C, p.Asp226= (NM_001243900.3); c.570T>C, p.Asp190= (NM_001320965.3, NM_001320966.3, NM_001320967.3 and 1 more transcripts).
Identifiers: ClinVar variation 3042691 (VCV003042691.2), dbSNP rs776255083, ClinGen allele CA2216910.